The following is an entry in ClinVar:

ClinVar aggregate classification (germline): Uncertain significance (1 of 4 stars; one submission).

Allele frequency attached by ClinVar (database versions not stated): gnomAD exomes below 0.00001; TOPMed below 0.00001.
gnomAD v4.1: 4 of 1,611,832 alleles (0.00025%); highest among the groups gnomAD compares: African/African-American, 0.0013%; no homozygotes.

Submission:

Labcorp Genetics (formerly Invitae), Labcorp
Classification: Uncertain significance. Last evaluated: 2025-05-27. Review status: criteria provided, single submitter. Criteria: Invitae Variant Classification Sherloc (09022015). Collection method: clinical testing. Allele origin: germline.
Comment: This sequence change replaces asparagine, which is neutral and polar, with serine, which is neutral and polar, at codon 638 of the ATP1A1 protein (p.Asn638Ser). This variant is present in population databases (no rsID available, gnomAD 0.007%). This variant has not been reported in the literature in individuals affected with ATP1A1-related conditions. ClinVar contains an entry for this variant (Variation ID: 2000116). Invitae Evidence Modeling of protein sequence and biophysical properties (such as structural, functional, and spatial information, amino acid conservation, physicochemical variation, residue mobility, and thermodynamic stability) indicates that this missense variant is not expected to disrupt ATP1A1 protein function with a negative predictive value of 95%. In summary, the available evidence is currently insufficient to determine the role of this variant in disease. Therefore, it has been classified as a Variant of Uncertain Significance.

NM_000701.8(ATP1A1):c.1913A>G (p.Asn638Ser)

Genes: ATP1A1 (ATPase Na+/K+ transporting subunit alpha 1; plus strand), ATP1A1-AS1 (ATP1A1 antisense RNA 1; minus strand). Cytogenetic location: 1p13.1.
Variant type: single nucleotide variant.
Coding change: c.1913A>G on transcript NM_000701.8 (MANE Select); coding-DNA position 1913, A replaced by G.
Protein change: p.Asn638Ser; replaces asparagine 638 with serine.
Molecular consequence: missense variant.
Genome position (GRCh38, 1-based): chr1:116,396,674, A>G. VCF-style: chr1-116396674-A-G. GRCh37 (hg19) VCF-style: chr1-116939296-A-G.
Other names: c.1913A>G, p.Asn638Ser (NM_001160233.2); c.1820A>G, p.Asn607Ser (NM_001160234.2); short protein forms N607S, N638S.
Identifiers: ClinVar variation 2000116 (VCV002000116.4), dbSNP rs1436762122, ClinGen allele CA341772184.
Genomic context (GRCh38, chr1:116,396,674, plus strand): 5'-GAGACCATCCAATCACAGCTAAAGCTATTGCCAAAGGTGTGGGCATCATCTCAGAAGGCA[A>G]TGAGACCGTGGAAGACATTGCTGCCCGCCTCAACATCCCAGTCAGCCAGGTGAACCCCAG-3'
Protein context (NP_000692.2, residues 628-648): AKGVGIISEG[Asn638Ser]ETVEDIAARL